The following is an entry in ClinVar:

NM_001605.3(AARS1):c.226A>G (p.Ile76Val)

Gene: AARS1 (alanyl-tRNA synthetase 1; minus strand). Cytogenetic location: 16q22.1.
Variant type: single nucleotide variant.
Coding change: c.226A>G on transcript NM_001605.3 (MANE Select); coding-DNA position 226, A replaced by G.
Protein change: p.Ile76Val; replaces isoleucine 76 with valine.
Molecular consequence: missense variant.
Genome position (GRCh38, 1-based): chr16:70,277,073, T>C on the plus strand (A>G on the coding strand, the complement: AARS1 is on the minus strand). VCF-style: chr16-70277073-T-C. GRCh37 (hg19) VCF-style: chr16-70310976-T-C.
Other names: short protein forms I76V.
Identifiers: ClinVar variation 569538 (VCV000569538.8), dbSNP rs1274784611, ClinGen allele CA396569679.

ClinVar aggregate classification (germline): Uncertain significance (1 of 4 stars; one submission).

Conditions:
Charcot-Marie-Tooth disease type 2. Also called: Charcot-Marie-Tooth type 2. Identifiers: Orphanet 64746, MedGen C0270914, MONDO:0018993.

Allele frequency attached by ClinVar (database versions not stated): gnomAD exomes below 0.00001; gnomAD 0.00001.
gnomAD v4.1: 3 of 1,614,046 alleles (0.00019%); highest among the groups gnomAD compares: Non-Finnish European, 0.00025%; no homozygotes.

Submission:

Labcorp Genetics (formerly Invitae), Labcorp
Classification: Uncertain significance for Charcot-Marie-Tooth disease type 2. Last evaluated: 2023-03-01. Review status: criteria provided, single submitter. Criteria: Invitae Variant Classification Sherloc (09022015). Collection method: clinical testing. Allele origin: germline.
Comment: In summary, the available evidence is currently insufficient to determine the role of this variant in disease. Therefore, it has been classified as a Variant of Uncertain Significance. Advanced modeling of protein sequence and biophysical properties (such as structural, functional, and spatial information, amino acid conservation, physicochemical variation, residue mobility, and thermodynamic stability) performed at Invitae indicates that this missense variant is not expected to disrupt AARS protein function. ClinVar contains an entry for this variant (Variation ID: 569538). This variant has not been reported in the literature in individuals affected with AARS-related conditions. This variant is present in population databases (no rsID available, gnomAD 0.007%). This sequence change replaces isoleucine, which is neutral and non-polar, with valine, which is neutral and non-polar, at codon 76 of the AARS protein (p.Ile76Val).